The following is an entry in ClinVar:

ClinVar aggregate classification (germline): Uncertain significance (1 of 4 stars; one submission).

Conditions:
Inborn genetic diseases. Identifiers: MedGen C0950123, MeSH D030342.

Submission:

Ambry Genetics
Classification: Uncertain significance for Inborn genetic diseases. Last evaluated: 2025-09-19. Review status: criteria provided, single submitter. Criteria: Ambry Variant Classification Scheme 2023. Collection method: clinical testing. Allele origin: germline.
Comment: The p.I1236L variant (also known as c.3706A>C), located in coding exon 17 of the MECOM gene, results from an A to C substitution at nucleotide position 3706. The isoleucine at codon 1236 is replaced by leucine, an amino acid with highly similar properties. This amino acid position is conserved. In addition, this alteration is predicted to be tolerated by in silico analysis. Based on the available evidence, the clinical significance of this variant remains unclear.

NM_004991.4(MECOM):c.3706A>C (p.Ile1236Leu)

Gene: MECOM (MDS1 and EVI1 complex locus; minus strand). Cytogenetic location: 3q26.2.
Variant type: single nucleotide variant.
Coding change: c.3706A>C on transcript NM_004991.4 (MANE Select); coding-DNA position 3706, A replaced by C.
Protein change: p.Ile1236Leu; replaces isoleucine 1236 with leucine.
Molecular consequence: missense variant.
Genome position (GRCh38, 1-based): chr3:169,084,923, T>G on the plus strand (A>C on the coding strand, the complement: MECOM is on the minus strand). VCF-style: chr3-169084923-T-G. GRCh37 (hg19) VCF-style: chr3-168802711-T-G.
Other names: c.3337A>C, p.Ile1113Leu (NM_001105077.4); c.3142A>C, p.Ile1048Leu (NM_001105078.4, NM_001205194.2, NM_001366469.2 and 1 more transcripts); c.3118A>C, p.Ile1040Leu (NM_001163999.2, NM_001366470.2); c.3115A>C, p.Ile1039Leu (NM_001164000.2, NM_001366471.2, NM_001366472.2); c.3679A>C, p.Ile1227Leu (NM_001366466.2); c.3145A>C, p.Ile1049Leu (NM_001366467.2, NM_001366468.2); c.2707A>C, p.Ile903Leu (NM_001366473.2); c.2143A>C, p.Ile715Leu (NM_001366474.2); short protein forms I903L, I1040L, I1048L, I1113L, I1236L, I715L, I1039L, I1049L.
Identifiers: ClinVar variation 4624591 (VCV004624591.1).
Genomic context (GRCh38, chr3:169,084,923, plus strand): 5'-CATGCTACTGTTGGACTTGGTCCCACTCTGGTCAACCTTGATAACGTCATACGTGGCTTA[T>G]GGACTGGATAGCACTGGATTCCGCCGCAGCCCTGGCCATACTGTGCCACACGTTGGAAGA-3'
Protein context (NP_004982.2, residues 1226-1239): AAAESSAIQS[Ile1236Leu]SHV